The following is an entry in ClinVar:

ClinVar aggregate classification (germline): Uncertain significance (1 of 4 stars; one submission).

Conditions:
Developmental and epileptic encephalopathy, 30 (DEE30). Also called: Epileptic encephalopathy, early infantile, 30. Identifiers: MedGen C4225360, MONDO:0014595, OMIM 616341.

Submission:

Labcorp Genetics (formerly Invitae), Labcorp
Classification: Uncertain significance for Developmental and epileptic encephalopathy, 30. Last evaluated: 2023-11-24. Review status: criteria provided, single submitter. Criteria: Invitae Variant Classification Sherloc (09022015). Collection method: clinical testing. Allele origin: germline.
Comment: This sequence change replaces serine, which is neutral and polar, with glycine, which is neutral and non-polar, at codon 618 of the SIK1 protein (p.Ser618Gly). This variant is not present in population databases (gnomAD no frequency). This variant has not been reported in the literature in individuals affected with SIK1-related conditions. Advanced modeling of protein sequence and biophysical properties (such as structural, functional, and spatial information, amino acid conservation, physicochemical variation, residue mobility, and thermodynamic stability) performed at Invitae indicates that this missense variant is not expected to disrupt SIK1 protein function with a negative predictive value of 95%. In summary, the available evidence is currently insufficient to determine the role of this variant in disease. Therefore, it has been classified as a Variant of Uncertain Significance.

NM_173354.5(SIK1):c.1852A>G (p.Ser618Gly)

Gene: SIK1 (salt inducible kinase 1; minus strand). Cytogenetic location: 21q22.3.
Variant type: single nucleotide variant.
Coding change: c.1852A>G on transcript NM_173354.5 (MANE Select); coding-DNA position 1852, A replaced by G.
Protein change: p.Ser618Gly; replaces serine 618 with glycine.
Molecular consequence: missense variant.
Genome position (GRCh38, 1-based): chr21:43,417,667, T>C on the plus strand (A>G on the coding strand, the complement: SIK1 is on the minus strand). VCF-style: chr21-43417667-T-C. GRCh37 (hg19) VCF-style: chr21-44837547-T-C.
Other names: short protein forms S618G.
Identifiers: ClinVar variation 2724825 (VCV002724825.3), dbSNP rs1165929782, ClinGen allele CA410607166.